The following is an entry in ClinVar:

NM_000093.5(COL5A1):c.4830G>C (p.Glu1610Asp)

Genes: COL5A1 (collagen type V alpha 1 chain; plus strand), LOC101448202 (uncharacterized LOC101448202; minus strand). Cytogenetic location: 9q34.3.
Variant type: single nucleotide variant.
Coding change: c.4830G>C on transcript NM_000093.5 (MANE Select); coding-DNA position 4830, G replaced by C.
Protein change: p.Glu1610Asp; replaces glutamic acid 1610 with aspartic acid.
Molecular consequence: missense variant.
Genome position (GRCh38, 1-based): chr9:134,824,731, G>C. VCF-style: chr9-134824731-G-C. GRCh37 (hg19) VCF-style: chr9-137716577-G-C.
Other names: c.4830G>C, p.Glu1610Asp (NM_001278074.1); c.4830G>C (NM_000093.3); short protein forms E1610D.
Identifiers: ClinVar variation 3678112 (VCV003678112.3).

ClinVar aggregate classification (germline): Uncertain significance. Review status: criteria provided, multiple submitters, no conflicts (2 of 4 stars). 2 submissions from 2 submitters: Uncertain significance (2). Last evaluated 2026-08-22.

Conditions:
Familial thoracic aortic aneurysm and aortic dissection (TAAD). Also called: Thoracic aortic aneurysms and dissections. Identifiers: Orphanet 91387, MedGen C4707243, MONDO:0019625.
Ehlers-Danlos syndrome, classic type, 1 (EDSCL1). Also called: EDS I; Ehlers-Danlos Syndrome, Classic Type, COL5A1-Related; EHLERS-DANLOS SYNDROME, GRAVIS TYPE; EHLERS-DANLOS SYNDROME, SEVERE CLASSIC TYPE; Ehlers-Danlos syndrome, type 1. Identifiers: MedGen C0268335, MONDO:0019567, OMIM 130000.

gnomAD v4.1: 1 of 1,614,240 alleles (0.000062%); highest among the groups gnomAD compares: Non-Finnish European, 0.000085%; no homozygotes.

Submissions (2):

Ambry Genetics
Classification: Uncertain significance for Familial thoracic aortic aneurysm and aortic dissection. Last evaluated: 2026-08-22. Review status: criteria provided, single submitter. Criteria: Ambry Variant Classification Scheme 2023. Collection method: clinical testing. Allele origin: germline.
Comment: The p.E1610D variant (also known as c.4830G>C), located in coding exon 62 of the COL5A1 gene, results from a G to C substitution at nucleotide position 4830. The glutamic acid at codon 1610 is replaced by aspartic acid, an amino acid with highly similar properties. This amino acid position is conserved. In addition, the in silico prediction for this alteration is inconclusive. Based on the available evidence, the clinical significance of this variant remains unclear.

Labcorp Genetics (formerly Invitae), Labcorp
Classification: Uncertain significance for Ehlers-Danlos syndrome, classic type, 1. Last evaluated: 2024-12-10. Review status: criteria provided, single submitter. Criteria: Invitae Variant Classification Sherloc (09022015). Collection method: clinical testing. Allele origin: germline.
Comment: This sequence change replaces glutamic acid, which is acidic and polar, with aspartic acid, which is acidic and polar, at codon 1610 of the COL5A1 protein (p.Glu1610Asp). This variant is not present in population databases (gnomAD no frequency). This variant has not been reported in the literature in individuals affected with COL5A1-related conditions. Invitae Evidence Modeling of protein sequence and biophysical properties (such as structural, functional, and spatial information, amino acid conservation, physicochemical variation, residue mobility, and thermodynamic stability) indicates that this missense variant is not expected to disrupt COL5A1 protein function with a negative predictive value of 95%. In summary, the available evidence is currently insufficient to determine the role of this variant in disease. Therefore, it has been classified as a Variant of Uncertain Significance.